The following is an entry in ClinVar:

NM_002334.4(LRP4):c.4043G>A (p.Cys1348Tyr)

Gene: LRP4 (LDL receptor related protein 4; minus strand). Cytogenetic location: 11p11.2.
Variant type: single nucleotide variant.
Coding change: c.4043G>A on transcript NM_002334.4 (MANE Select); coding-DNA position 4043, G replaced by A.
Protein change: p.Cys1348Tyr; replaces cysteine 1348 with tyrosine.
Molecular consequence: missense variant.
Genome position (GRCh38, 1-based): chr11:46,874,986, C>T on the plus strand (G>A on the coding strand, the complement: LRP4 is on the minus strand). VCF-style: chr11-46874986-C-T. GRCh37 (hg19) VCF-style: chr11-46896537-C-T.
Other names: short protein forms C1348Y.
Identifiers: ClinVar variation 1063915 (VCV001063915.9), dbSNP rs1940969409, ClinGen allele CA380271135.

ClinVar aggregate classification (germline): Uncertain significance (1 of 4 stars; one submission).

Conditions:
Cenani-Lenz syndactyly syndrome. Also called: SYNDACTYLY, TYPE VII; CENANI SYNDACTYLISM. Identifiers: Orphanet 3258, MedGen C1859309, MONDO:0008931, OMIM 212780.
Congenital myasthenic syndrome 17. Identifiers: Orphanet 590, MedGen C4225377, MONDO:0014578, OMIM 616304.
Sclerosteosis 2 (SOST2). Identifiers: Orphanet 3152, MedGen C3280402, MONDO:0013679, OMIM 614305.

Allele frequency attached by ClinVar (database versions not stated): gnomAD 0.00001; TOPMed 0.00001.
gnomAD v4.1: 3 of 1,614,046 alleles (0.00019%); highest among the groups gnomAD compares: Non-Finnish European, 0.00025%; no homozygotes.

Submission:

Labcorp Genetics (formerly Invitae), Labcorp
Classification: Uncertain significance for Cenani-Lenz syndactyly syndrome; Sclerosteosis 2; Congenital myasthenic syndrome 17. Last evaluated: 2020-05-20. Review status: criteria provided, single submitter. Criteria: Invitae Variant Classification Sherloc (09022015). Collection method: clinical testing. Allele origin: germline.
Comment: This variant has not been reported in the literature in individuals with LRP4-related conditions. In summary, the available evidence is currently insufficient to determine the role of this variant in disease. Therefore, it has been classified as a Variant of Uncertain Significance. Algorithms developed to predict the effect of missense changes on protein structure and function (SIFT, PolyPhen-2, Align-GVGD) all suggest that this variant is likely to be disruptive, but these predictions have not been confirmed by published functional studies and their clinical significance is uncertain. This variant is not present in population databases (ExAC no frequency). This sequence change replaces cysteine with tyrosine at codon 1348 of the LRP4 protein (p.Cys1348Tyr). The cysteine residue is highly conserved and there is a large physicochemical difference between cysteine and tyrosine.